The following is an entry in ClinVar:

ClinVar aggregate classification (germline): Uncertain significance. Review status: criteria provided, multiple submitters, no conflicts (2 of 4 stars). 2 submissions from 2 submitters: Uncertain significance (2). Last evaluated 2025-05-28.

Conditions:
Hereditary cancer-predisposing syndrome. Also called: Tumor predisposition; Hereditary neoplastic syndrome; Neoplastic Syndromes, Hereditary; Hereditary Cancer Syndrome. Identifiers: Orphanet 140162, MedGen C0027672, MeSH D009386, MONDO:0015356.

Allele frequency attached by ClinVar (database versions not stated): gnomAD 0.00001.
gnomAD v4.1: 1 of 1,612,364 alleles (0.000062%); highest among the groups gnomAD compares: Non-Finnish European, 0.000085%; no homozygotes.

Submissions (2):

Labcorp Genetics (formerly Invitae), Labcorp
Classification: Uncertain significance. Last evaluated: 2025-05-28. Review status: criteria provided, single submitter. Criteria: Invitae Variant Classification Sherloc (09022015). Collection method: clinical testing. Allele origin: germline.
Comment: This sequence change replaces valine, which is neutral and non-polar, with isoleucine, which is neutral and non-polar, at codon 642 of the MSH3 protein (p.Val642Ile). This variant is not present in population databases (gnomAD no frequency). This variant has not been reported in the literature in individuals affected with MSH3-related conditions. ClinVar contains an entry for this variant (Variation ID: 959231). An algorithm developed to predict the effect of missense changes on protein structure and function outputs the following: PolyPhen-2: "Benign". The isoleucine amino acid residue is found in multiple mammalian species, which suggests that this missense change does not adversely affect protein function. In summary, the available evidence is currently insufficient to determine the role of this variant in disease. Therefore, it has been classified as a Variant of Uncertain Significance.

Ambry Genetics
Classification: Uncertain significance for Hereditary cancer-predisposing syndrome. Last evaluated: 2024-09-01. Review status: criteria provided, single submitter. Criteria: Ambry Variant Classification Scheme 2023. Collection method: clinical testing. Allele origin: germline.
Comment: The p.V642I variant (also known as c.1924G>A), located in coding exon 14 of the MSH3 gene, results from a G to A substitution at nucleotide position 1924. The valine at codon 642 is replaced by isoleucine, an amino acid with highly similar properties. This amino acid position is conserved. In addition, the in silico prediction for this alteration is inconclusive. Based on the available evidence, the clinical significance of this variant remains unclear.

NM_002439.5(MSH3):c.1924G>A (p.Val642Ile)

Gene: MSH3 (mutS homolog 3; plus strand). Cytogenetic location: 5q14.1.
Variant type: single nucleotide variant.
Coding change: c.1924G>A on transcript NM_002439.5 (MANE Select); coding-DNA position 1924, G replaced by A.
Protein change: p.Val642Ile; replaces valine 642 with isoleucine.
Molecular consequence: missense variant.
Genome position (GRCh38, 1-based): chr5:80,767,960, G>A. VCF-style: chr5-80767960-G-A. GRCh37 (hg19) VCF-style: chr5-80063779-G-A.
Other names: c.1924G>A (NM_002439.3); short protein forms V642I.
Identifiers: ClinVar variation 959231 (VCV000959231.10), dbSNP rs1744150383, ClinGen allele CA360277486.